The following is an entry in ClinVar:

ClinVar aggregate classification (germline): Uncertain significance (1 of 4 stars; one submission).

Conditions:
Inborn genetic diseases. Identifiers: MedGen C0950123, MeSH D030342.

Submission:

Ambry Genetics
Classification: Uncertain significance for Inborn genetic diseases. Last evaluated: 2025-10-22. Review status: criteria provided, single submitter. Criteria: Ambry Variant Classification Scheme 2023. Collection method: clinical testing. Allele origin: germline.
Comment: The p.P813A variant (also known as c.2437C>G), located in coding exon 13 of the ASXL1 gene, results from a C to G substitution at nucleotide position 2437. The proline at codon 813 is replaced by alanine, an amino acid with highly similar properties. This amino acid position is conserved. In addition, this alteration is predicted to be tolerated by in silico analysis. Based on the available evidence, the clinical significance of this variant remains unclear.

NM_015338.6(ASXL1):c.2437C>G (p.Pro813Ala)

Gene: ASXL1 (ASXL transcriptional regulator 1; plus strand). Cytogenetic location: 20q11.21.
Variant type: single nucleotide variant.
Coding change: c.2437C>G on transcript NM_015338.6 (MANE Select); coding-DNA position 2437, C replaced by G.
Protein change: p.Pro813Ala; replaces proline 813 with alanine.
Molecular consequence: missense variant.
Genome position (GRCh38, 1-based): chr20:32,435,149, C>G. VCF-style: chr20-32435149-C-G. GRCh37 (hg19) VCF-style: chr20-31022952-C-G.
Other names: c.2254C>G, p.Pro752Ala (NM_001363734.1); short protein forms P813A, P752A.
Identifiers: ClinVar variation 4587998 (VCV004587998.1).